The following is an entry in ClinVar:

NM_018230.3(NUP133):c.1636T>G (p.Ser546Ala)

Gene: NUP133 (nucleoporin 133; minus strand). Cytogenetic location: 1q42.13.
Variant type: single nucleotide variant.
Coding change: c.1636T>G on transcript NM_018230.3 (MANE Select); coding-DNA position 1636, T replaced by G.
Protein change: p.Ser546Ala; replaces serine 546 with alanine.
Molecular consequence: missense variant.
Genome position (GRCh38, 1-based): chr1:229,477,717, A>C on the plus strand (T>G on the coding strand, the complement: NUP133 is on the minus strand). VCF-style: chr1-229477717-A-C. GRCh37 (hg19) VCF-style: chr1-229613464-A-C.
Other names: short protein forms S546A.
Identifiers: ClinVar variation 3350640 (VCV003350640.1).
Genomic context (GRCh38, chr1:229,477,717, plus strand): 5'-CACTGATTTGGGTAACTGCCCTGTCTAGTTCAGAATCAGAATCCAAATCAGAGTGAGAGG[A>C]AAAGAGCTCATCAACCACCATTTGAGCATGACCTAAATCTTTTCTGAAATAAAATTGGAA-3'
Protein context (NP_060700.2, residues 536-556): HAQMVVDELF[Ser546Ala]SHSDLDSDSE

ClinVar aggregate classification (germline): Uncertain significance (0 of 4 stars; one submission).

Conditions:
NUP133-related disorder. Also called: NUP133-related condition.

gnomAD v4.1: 7 of 1,613,642 alleles (0.00043%); highest among the groups gnomAD compares: African/African-American, 0.0027%; no homozygotes.

Submission:

PreventionGenetics, part of Exact Sciences
Classification: Uncertain significance for NUP133-related condition. Last evaluated: 2024-05-13. Review status: no assertion criteria provided. Collection method: clinical testing. Allele origin: germline.
Comment: The NUP133 c.1636T>G variant is predicted to result in the amino acid substitution p.Ser546Ala. To our knowledge, this variant has not been reported in the literature. This variant is reported in 0.0040% of alleles in individuals of African descent in gnomAD. At this time, the clinical significance of this variant is uncertain due to the absence of conclusive functional and genetic evidence.